The following is an entry in ClinVar:

NM_007214.5(SEC63):c.452+3A>G

Gene: SEC63 (SEC63 protein translocation regulator; minus strand). Cytogenetic location: 6q21.
Variant type: single nucleotide variant.
Coding change: c.452+3A>G on transcript NM_007214.5 (MANE Select); 3 bases into the intron after coding-DNA position 452, A replaced by G.
Molecular consequence: intron variant.
Genome position (GRCh38, 1-based): chr6:107,921,794, T>C on the plus strand (A>G on the coding strand, the complement: SEC63 is on the minus strand). VCF-style: chr6-107921794-T-C. GRCh37 (hg19) VCF-style: chr6-108242998-T-C.
Identifiers: ClinVar variation 1514071 (VCV001514071.7), dbSNP rs767207844, ClinGen allele CA3947722.
Genomic context (GRCh38, chr6:107,921,794, plus strand): 5'-GAACCACTGCACCTGGCTTATCTGTACCATTCTTAAAAATTTGTAATGGATCCTGATACT[T>C]ACGCAGCATAAGCTTTTGCTATCCTCATGAACATAACCTCATCACCTCCTTTATCTGGAT-3'

ClinVar aggregate classification (germline): Uncertain significance. Review status: criteria provided, multiple submitters, no conflicts (2 of 4 stars). 2 submissions from 2 submitters: Uncertain significance (2). Last evaluated 2022-03-07.

Conditions:
Polycystic liver disease 2 (PCLD2). Also called: Polycystic liver disease 2 with or without kidney cysts. Identifiers: Orphanet 2924, MedGen C4310769, MONDO:0014860, OMIM 617004.

Allele frequency attached by ClinVar (database versions not stated): gnomAD 0.00001; gnomAD exomes 0.00001 and 0.00002; ExAC 0.00002; 1000 Genomes Project 30x 0.00016.
gnomAD v4.1: 19 of 1,565,360 alleles (0.0012%); highest among the groups gnomAD compares: Non-Finnish European, 0.0016%; no homozygotes.

Submissions (2):

Fulgent Genetics
Classification: Uncertain significance for Polycystic liver disease 2. Last evaluated: 2022-03-07. Review status: criteria provided, single submitter. Criteria: ACMG Guidelines, 2015. Collection method: clinical testing. Allele origin: unknown.

Labcorp Genetics (formerly Invitae), Labcorp
Classification: Uncertain significance. Last evaluated: 2021-01-05. Review status: criteria provided, single submitter. Criteria: Invitae Variant Classification Sherloc (09022015). Collection method: clinical testing. Allele origin: germline.
Comment: This variant has not been reported in the literature in individuals with SEC63-related conditions. In summary, the available evidence is currently insufficient to determine the role of this variant in disease. Therefore, it has been classified as a Variant of Uncertain Significance. Nucleotide substitutions within the consensus splice site are a relatively common cause of aberrant splicing (PMID: 17576681, 9536098). Algorithms developed to predict the effect of sequence changes on RNA splicing suggest that this variant may disrupt the consensus splice site, but this prediction has not been confirmed by published transcriptional studies. This variant is present in population databases (rs767207844, ExAC 0.004%). This sequence change falls in intron 4 of the SEC63 gene. It does not directly change the encoded amino acid sequence of the SEC63 protein. It affects a nucleotide within the consensus splice site of the intron.

Literature cited by the submitters: PubMed 17576681 (cited by Labcorp Genetics (formerly Invitae), Labcorp); PubMed 9536098 (cited by Labcorp Genetics (formerly Invitae), Labcorp).